The following is an entry in ClinVar:

NM_007294.4(BRCA1):c.2990del (p.Asn997fs)

Gene: BRCA1 (BRCA1 DNA repair associated; minus strand). Cytogenetic location: 17q21.31.
Variant type: Deletion.
Coding change: c.2990del on transcript NM_007294.4 (MANE Select); coding-DNA position 2990, one base deleted (A; older notation c.2990delA).
Protein change: p.Asn997fs; shifts the reading frame from asparagine 997.
Molecular consequence: frameshift variant. On other transcripts: intron variant (137).
Genome position (GRCh38, 1-based): chr17:43,092,541, T deleted on the plus strand (A on the coding strand, the reverse complement: BRCA1 is on the minus strand); the first of 5 consecutive T bases (chr17:43,092,541-43,092,545); deleting any one gives the same sequence. VCF-style (leftmost placement, unchanged base first): chr17-43092540-AT-A. GRCh37 (hg19) VCF-style: chr17-41244557-AT-A.
Other names: 3109delA; c.2990delA (NM_007294.3); c.2867del, p.Asn956fs (NM_001407648.1, NM_001407664.1, NM_001407665.1 and 19 more transcripts); c.2864del, p.Asn955fs (NM_001407649.1, NM_001407670.1, NM_001407671.1 and 11 more transcripts); c.2990del, p.Asn997fs (NM_001407652.1, NM_001407684.1, NM_001407854.1 and 30 more transcripts); c.2912del, p.Asn971fs (NM_001407653.1, NM_001407654.1, NM_001407655.1 and 4 more transcripts); c.2909del, p.Asn970fs (NM_001407659.1, NM_001407660.1, NM_001407661.1 and 1 more transcripts); c.2849del, p.Asn950fs (NM_001407692.1, NM_001407694.1, NM_001407695.1 and 29 more transcripts); and 43 more; short protein forms N997fs, N950fs, N886fs, N908fs, N909fs, N926fs, N927fs, N971fs.
Identifiers: ClinVar variation 54739 (VCV000054739.8), dbSNP rs80357829, ClinGen allele CA001943.

ClinVar aggregate classification (germline): Pathogenic. Review status: reviewed by expert panel (3 of 4 stars). 3 submissions from 3 submitters: Pathogenic (1). 2 of the submissions do not count toward it. Last evaluated 2016-10-18.

Conditions:
Breast-ovarian cancer, familial, susceptibility to, 1 (BROVCA1). Also called: OVARIAN CANCER, SUSCEPTIBILITY TO; BRCA1 Hereditary Breast and Ovarian Cancer. Identifiers: Orphanet 145, MedGen C2676676, MONDO:0011450, OMIM 604370. Disease mechanism: loss of function.

Submissions (3):

Evidence-based Network for the Interpretation of Germline Mutant Alleles (ENIGMA)
Classification: Pathogenic for Breast-ovarian cancer, familial, susceptibility to, 1. Last evaluated: 2016-10-18. Review status: reviewed by expert panel. Criteria: ENIGMA BRCA1/2 Classification Criteria (2015). Collection method: curation. Allele origin: germline.
Comment: Variant allele predicted to encode a truncated non-functional protein.

GeneDx
Classification: Pathogenic. Last evaluated: 2018-02-22. Review status: criteria provided, single submitter. Criteria: GeneDx Variant Classification (06012015). Collection method: clinical testing. Allele origin: germline. Affected: yes. Not counted in ClinVar's aggregate classification.
Comment: This deletion of one nucleotide in BRCA1 is denoted c.2990delA at the cDNA level and p.Asn997IlefsX3 (N997IfsX3) at the protein level. The normal sequence, with the base that is deleted in brackets, is GAAAA[delA]TCTG. The deletion causes a frameshift which changes an Asparagine to an Isoleucine at codon 997, and creates a premature stop codon at position 3 of the new reading frame. This variant is predicted to cause loss of normal protein function through either protein truncation or nonsense-mediated mRNA decay. BRCA1 c.2990delA, previously published as BRCA1 3109delA using alternate nomenclature, has been reported in at least one individual with breast cancer (Fackenthal 2012). We consider this variant to be pathogenic.

Consortium of Investigators of Modifiers of BRCA1/2 (CIMBA), c/o University of Cambridge
Classification: Pathogenic for Breast-ovarian cancer, familial, susceptibility to, 1. Last evaluated: 2015-10-02. Review status: criteria provided, single submitter. Criteria: CIMBA Mutation Classification guidelines May 2016. Collection method: clinical testing. Allele origin: germline. Not counted in ClinVar's aggregate classification.